The following is an entry in ClinVar:

ClinVar aggregate classification (germline): Uncertain significance (1 of 4 stars; one submission).

Submission:

Labcorp Genetics (formerly Invitae), Labcorp
Classification: Uncertain significance. Last evaluated: 2024-04-16. Review status: criteria provided, single submitter. Criteria: Invitae Variant Classification Sherloc (09022015). Collection method: clinical testing. Allele origin: germline.
Comment: This sequence change replaces histidine, which is basic and polar, with arginine, which is basic and polar, at codon 253 of the NLRP1 protein (p.His253Arg). This variant is not present in population databases (gnomAD no frequency). This variant has not been reported in the literature in individuals affected with NLRP1-related conditions. An algorithm developed to predict the effect of missense changes on protein structure and function (PolyPhen-2) suggests that this variant is likely to be tolerated. In summary, the available evidence is currently insufficient to determine the role of this variant in disease. Therefore, it has been classified as a Variant of Uncertain Significance.

NM_033004.4(NLRP1):c.758A>G (p.His253Arg)

Gene: NLRP1 (NLR family pyrin domain containing 1; minus strand). Cytogenetic location: 17p13.2.
Variant type: single nucleotide variant.
Coding change: c.758A>G on transcript NM_033004.4 (MANE Select); coding-DNA position 758, A replaced by G.
Protein change: p.His253Arg; replaces histidine 253 with arginine.
Molecular consequence: missense variant.
Genome position (GRCh38, 1-based): chr17:5,559,938, T>C on the plus strand (A>G on the coding strand, the complement: NLRP1 is on the minus strand). VCF-style: chr17-5559938-T-C. GRCh37 (hg19) VCF-style: chr17-5463258-T-C.
Other names: c.758A>G, p.His253Arg (NM_001033053.3, NM_014922.5, NM_033006.4 and 1 more transcripts); short protein forms H253R.
Identifiers: ClinVar variation 3646806 (VCV003646806.2).